The following is an entry in ClinVar:

NM_004260.4(RECQL4):c.1739C>T (p.Thr580Ile)

Gene: RECQL4 (RecQ like helicase 4; minus strand). Cytogenetic location: 8q24.3.
Variant type: single nucleotide variant.
Coding change: c.1739C>T on transcript NM_004260.4 (MANE Select); coding-DNA position 1739, C replaced by T.
Protein change: p.Thr580Ile; replaces threonine 580 with isoleucine.
Molecular consequence: missense variant. On other transcripts: non-coding transcript variant (3), intron variant (3).
Genome position (GRCh38, 1-based): chr8:144,514,328, G>A on the plus strand (C>T on the coding strand, the complement: RECQL4 is on the minus strand). VCF-style: chr8-144514328-G-A. GRCh37 (hg19) VCF-style: chr8-145739712-G-A.
Other names: c.1643C>T, p.Thr548Ile (NM_001413017.1, NM_001413020.1); c.1739C>T, p.Thr580Ile (NM_001413018.1, NM_001413019.1, NM_001413036.1); c.668C>T, p.Thr223Ile (NM_001413021.1, NM_001413022.1, NM_001413023.1 and 6 more transcripts); c.1610C>T, p.Thr537Ile (NM_001413025.1); c.602C>T, p.Thr201Ile (NM_001413027.1, NM_001413030.1, NM_001413032.1 and 1 more transcripts); c.1388C>T, p.Thr463Ile (NM_001413029.1); c.1709C>T, p.Thr570Ile (NM_001413039.1); c.638C>T, p.Thr213Ile (NM_001413042.1); and 4 more; short protein forms T463I, T91I, T223I, T537I, T548I, T201I, T213I, T570I.
Identifiers: ClinVar variation 3013285 (VCV003013285.3), dbSNP rs2538041164, ClinGen allele CA372681142.

ClinVar aggregate classification (germline): Uncertain significance (1 of 4 stars; one submission).

Conditions:
Baller-Gerold syndrome (BGS). Also called: CRANIOSYNOSTOSIS WITH RADIAL DEFECTS. Identifiers: Orphanet 1225, MedGen C0265308, MONDO:0009039, OMIM 218600.

Submission:

Labcorp Genetics (formerly Invitae), Labcorp
Classification: Uncertain significance for Baller-Gerold syndrome. Last evaluated: 2022-11-15. Review status: criteria provided, single submitter. Criteria: Invitae Variant Classification Sherloc (09022015). Collection method: clinical testing. Allele origin: germline.
Comment: This sequence change replaces threonine, which is neutral and polar, with isoleucine, which is neutral and non-polar, at codon 580 of the RECQL4 protein (p.Thr580Ile). In summary, the available evidence is currently insufficient to determine the role of this variant in disease. Therefore, it has been classified as a Variant of Uncertain Significance. Advanced modeling of protein sequence and biophysical properties (such as structural, functional, and spatial information, amino acid conservation, physicochemical variation, residue mobility, and thermodynamic stability) performed at Invitae indicates that this missense variant is not expected to disrupt RECQL4 protein function. This variant has not been reported in the literature in individuals affected with RECQL4-related conditions. This variant is not present in population databases (gnomAD no frequency).